The following is an entry in ClinVar:

ClinVar aggregate classification (germline): Likely benign (1 of 4 stars; one submission).

Allele frequency attached by ClinVar (database versions not stated): TOPMed 0.00002; gnomAD 0.00012; ExAC 0.00025.
gnomAD v4.1: 183 of 1,467,272 alleles (0.012%); highest among the groups gnomAD compares: Non-Finnish European, 0.0098%; no homozygotes.

Submission:

CeGaT Center for Human Genetics Tuebingen
Classification: Likely benign. Last evaluated: 2022-09-01. Review status: criteria provided, single submitter. Criteria: CeGaT Center For Human Genetics Tuebingen Variant Classification Criteria Version 2. Collection method: clinical testing. Allele origin: germline. Affected: yes. Observed: 1 variant allele.
Comment: SYNGR1: BP4, BP7

NM_004711.5(SYNGR1):c.60G>A (p.Leu20=)

Genes: SYNGR1 (synaptogyrin 1; plus strand), LOC130067460 (ATAC-STARR-seq lymphoblastoid silent region 13750; plus strand). Cytogenetic location: 22q13.1.
Variant type: single nucleotide variant.
Coding change: c.60G>A on transcript NM_004711.5 (MANE Select); coding-DNA position 60, G replaced by A.
Protein change: p.Leu20=; no amino-acid change (leucine 20 retained).
Molecular consequence: synonymous variant.
Genome position (GRCh38, 1-based): chr22:39,350,070, G>A. VCF-style: chr22-39350070-G-A. GRCh37 (hg19) VCF-style: chr22-39746075-G-A.
Other names: c.60G>A, p.Leu20= (NM_145731.4).
Identifiers: ClinVar variation 2653148 (VCV002653148.24), dbSNP rs200345991, ClinGen allele CA10241171.